The following is an entry in ClinVar:

ClinVar aggregate classification (germline): Uncertain significance (1 of 4 stars; one submission).

Submission:

GeneDx
Classification: Uncertain significance. Last evaluated: 2026-02-27. Review status: criteria provided, single submitter. Criteria: GeneDx Variant Classification Process June 2021. Collection method: clinical testing. Allele origin: germline.
Comment: Not observed at significant frequency in large population cohorts (gnomAD); In silico analysis suggests that this missense variant does not alter protein structure/function; Has not been previously published as pathogenic or benign to our knowledge

NM_000829.4(GRIA4):c.2693C>G (p.Ala898Gly)

Gene: GRIA4 (glutamate ionotropic receptor AMPA type subunit 4; plus strand). Cytogenetic location: 11q22.3.
Variant type: single nucleotide variant.
Coding change: c.2693C>G on transcript NM_000829.4 (MANE Select); coding-DNA position 2693, C replaced by G.
Protein change: p.Ala898Gly; replaces alanine 898 with glycine.
Molecular consequence: missense variant. On other transcripts: 3 prime UTR variant (4), non-coding transcript variant (1).
Genome position (GRCh38, 1-based): chr11:105,979,723, C>G. VCF-style: chr11-105979723-C-G. GRCh37 (hg19) VCF-style: chr11-105850450-C-G.
Other names: c.*151C>G (NM_001077243.3, NM_001440391.1, NM_001440392.1 and 1 more transcripts); c.2693C>G, p.Ala898Gly (NM_001440382.1, NM_001440383.1, NM_001440384.1 and 3 more transcripts); c.2672C>G, p.Ala891Gly (NM_001440388.1, NM_001440389.1, NM_001440390.1); c.2486C>G, p.Ala829Gly (NM_001440394.1); c.2330C>G, p.Ala777Gly (NM_001440395.1, NM_001440396.1); c.1739C>G, p.Ala580Gly (NM_001440398.1); c.1442C>G, p.Ala481Gly (NM_001440399.1); short protein forms A777G, A891G, A481G, A580G, A898G, A829G.
Identifiers: ClinVar variation 5008234 (VCV005008234.1).
Genomic context (GRCh38, chr11:105,979,723, plus strand): 5'-GCCCAAAGGCTGTACACACTGGAACTGCAATCAGACAAAGTTCAGGATTGGCTGTCATTG[C>G]ATCGGACCTACCATAAAAACCAAAAAAATAATTGAGTGCCTTAATTAAACTGTTGGTGAC-3'
Protein context (NP_000820.4, residues 888-902): IRQSSGLAVI[Ala898Gly]SDLP